The following is an entry in ClinVar:

NM_005751.5(AKAP9):c.5911G>A (p.Glu1971Lys)

Gene: AKAP9 (A-kinase anchoring protein 9; plus strand). Cytogenetic location: 7q21.2.
Variant type: single nucleotide variant.
Coding change: c.5911G>A on transcript NM_005751.5 (MANE Select); coding-DNA position 5911, G replaced by A.
Protein change: p.Glu1971Lys; replaces glutamic acid 1971 with lysine.
Molecular consequence: missense variant.
Genome position (GRCh38, 1-based): chr7:92,062,420, G>A. VCF-style: chr7-92062420-G-A. GRCh37 (hg19) VCF-style: chr7-91691734-G-A.
Other names: c.556G>A, p.Glu186Lys (NM_001379277.1); c.5911G>A, p.Glu1971Lys (NM_147185.3); short protein forms E1971K, E186K.
Identifiers: ClinVar variation 263749 (VCV000263749.3), dbSNP rs886038914, ClinGen allele CA10587656.
Genomic context (GRCh38, chr7:92,062,420, plus strand): 5'-GAGTTGTTATGTGCAAGTAACAGGTTGCAAGAATTGGAGGCAGAGCAACAGCAGATCCAA[G>A]AAGAAAGAGAATTACTGTCCAGACAAAAGGAAGCTATGAAAGCAGAGGCAGGCCCAGTTG-3'
Protein context (NP_005742.4, residues 1961-1981): ELEAEQQQIQ[Glu1971Lys]ERELLSRQKE

ClinVar aggregate classification (germline): Uncertain significance (1 of 4 stars; one submission).

Conditions:
Cardiovascular phenotype. Identifiers: MedGen CN230736.

Allele frequency attached by ClinVar (database versions not stated): gnomAD exomes 0.00001.
gnomAD v4.1: 10 of 1,613,844 alleles (0.00062%); highest among the groups gnomAD compares: South Asian, 0.0088%; no homozygotes.

Submission:

Ambry Genetics
Classification: Uncertain significance for Cardiovascular phenotype. Last evaluated: 2013-10-18. Review status: criteria provided, single submitter. Criteria: Ambry Autosomal Dominant and X-Linked criteria (10/2015). Collection method: clinical testing. Allele origin: germline. Observed: 1 variant allele.
Comment: The p.E1971K variant (also known as c.5911G>A) is located in coding exon 24 of the AKAP9gene. This alteration results from a G to A substitution at nucleotide position 5911. The glutamic acid at codon 1971 is replaced by lysine, an amino acid with some similar properties.This variant was not reported in population-based cohorts in the following databases: Database of Single Nucleotide Polymorphisms (dbSNP), the 1000 Genomes Project and the NHLBI Exome Sequencing Project (ESP). In the ESP, this variant was not observed in 6503 samples (13006 alleles) with coverage at this position. Based on protein sequence alignment, this amino acid position is highly conserved in available vertebrate species. In addition, this alteration is predicted to be possibly damaging and tolerated by PolyPhen and SIFT in silico analyses, respectively.Since supporting evidence is limited at this time, the clinical significance of this variant remains unclear.